The following is an entry in ClinVar:

ClinVar aggregate classification (germline): Uncertain significance (1 of 4 stars; one submission).

Conditions:
Charcot-Marie-Tooth disease, type I (CMT1). Also called: Charcot-Marie-Tooth disease type 1; Charcot-Marie-Tooth, Type 1. Identifiers: Orphanet 65753, MedGen C0751036, MONDO:0019011.

Submission:

Labcorp Genetics (formerly Invitae), Labcorp
Classification: Uncertain significance for Charcot-Marie-Tooth disease, type I. Last evaluated: 2023-01-24. Review status: criteria provided, single submitter. Criteria: Invitae Variant Classification Sherloc (09022015). Collection method: clinical testing. Allele origin: germline.
Comment: In summary, the available evidence is currently insufficient to determine the role of this variant in disease. Therefore, it has been classified as a Variant of Uncertain Significance. Variants that disrupt the consensus splice site are a relatively common cause of aberrant splicing (PMID: 17576681, 9536098). Algorithms developed to predict the effect of missense changes on protein structure and function are either unavailable or do not agree on the potential impact of this missense change (SIFT: "Deleterious"; PolyPhen-2: "Possibly Damaging"; Align-GVGD: "Class C15"). ClinVar contains an entry for this variant (Variation ID: 581710). This variant has not been reported in the literature in individuals affected with PMP22-related conditions. This variant is not present in population databases (gnomAD no frequency). This sequence change replaces glycine, which is neutral and non-polar, with arginine, which is basic and polar, at codon 107 of the PMP22 protein (p.Gly107Arg). This variant also falls at the last nucleotide of exon 4, which is part of the consensus splice site for this exon.

Literature cited by the submitters: PubMed 17576681; PubMed 9536098.

NM_000304.4(PMP22):c.319G>C (p.Gly107Arg)

Gene: PMP22 (peripheral myelin protein 22; minus strand). Cytogenetic location: 17p12.
Variant type: single nucleotide variant.
Coding change: c.319G>C on transcript NM_000304.4 (MANE Select); coding-DNA position 319, G replaced by C.
Protein change: p.Gly107Arg; replaces glycine 107 with arginine.
Molecular consequence: missense variant. On other transcripts: non-coding transcript variant (2).
Genome position (GRCh38, 1-based): chr17:15,239,471, C>G on the plus strand (G>C on the coding strand, the complement: PMP22 is on the minus strand). VCF-style: chr17-15239471-C-G. GRCh37 (hg19) VCF-style: chr17-15142788-C-G.
Other names: c.319G>C, p.Gly107Arg (NM_001281455.2, NM_001281456.2, NM_153321.3 and 1 more transcripts); c.319G>C, p.Glu107Gln (NM_001330143.2); short protein forms G107R, E107Q.
Identifiers: ClinVar variation 581710 (VCV000581710.5), dbSNP rs1362042435, ClinGen allele CA398267378.